The following is an entry in ClinVar:

NM_130839.5(UBE3A):c.562G>A (p.Asp188Asn)

Genes: SNHG14 (small nucleolar RNA host gene 14; plus strand), UBE3A (ubiquitin protein ligase E3A; minus strand). Cytogenetic location: 15q11.2.
Variant type: single nucleotide variant.
Coding change: c.562G>A on transcript NM_130839.5 (MANE Select); coding-DNA position 562, G replaced by A.
Protein change: p.Asp188Asn; replaces aspartic acid 188 with asparagine.
Molecular consequence: missense variant. On other transcripts: non-coding transcript variant (1), intron variant (2).
Genome position (GRCh38, 1-based): chr15:25,371,612, C>T on the plus strand (G>A on the coding strand, the complement: UBE3A is on the minus strand). VCF-style: chr15-25371612-C-T. GRCh37 (hg19) VCF-style: chr15-25616759-C-T.
Other names: c.571G>A, p.Asp191Asn (NM_000462.5); c.562G>A, p.Asp188Asn (NM_001354505.1, NM_001354538.2, NM_001354545.2); c.502G>A, p.Asp168Asn (NM_001354506.2, NM_001354507.2, NM_001354508.2 and 17 more transcripts); c.385G>A, p.Asp129Asn (NM_001354546.2); c.301+3853G>A (NM_001354551.2); c.361+3853G>A (NM_001354550.2); short protein forms D129N, D168N, D188N, D191N.
Identifiers: ClinVar variation 3338735 (VCV003338735.1).

ClinVar aggregate classification (germline): Uncertain significance (1 of 4 stars; one submission).

Submission:

GeneDx
Classification: Uncertain significance. Last evaluated: 2023-09-28. Review status: criteria provided, single submitter. Criteria: GeneDx Variant Classification Process June 2021. Collection method: clinical testing. Allele origin: germline. Affected: yes.
Comment: Not observed at significant frequency in large population cohorts (gnomAD); In silico analysis supports that this missense variant does not alter protein structure/function; Has not been previously published as pathogenic or benign to our knowledge